The following is an entry in ClinVar:

ClinVar aggregate classification (germline): Likely pathogenic (1 of 4 stars; one submission).

Conditions:
Fabry disease. Also called: ALPHA-GALACTOSIDASE A DEFICIENCY; ANDERSON-FABRY DISEASE; CERAMIDE TRIHEXOSIDASE DEFICIENCY; GLA DEFICIENCY; HEREDITARY DYSTOPIC LIPIDOSIS; Angiokeratoma corporis diffusum. Identifiers: Orphanet 324, MedGen C0002986, MONDO:0010526, OMIM 301500, HP:0001071. Disease mechanism: Fabry disease is due to inactivating mutations in the X-linked GLA gene resulting in deficiency of the enzyme Alpha Galactosidase-A., loss of function.

Submission:

Genomenon, Inc
Classification: Likely pathogenic for Fabry disease. Last evaluated: 2026-09-08. Review status: criteria provided, single submitter. Criteria: Genomenon Sequence Variant Interpretation Standards - Updated. Collection method: curation. Allele origin: germline. Affected: yes.
Comment: GLA p.Gly163Arg (c.487G>C) is a missense variant that changes the amino acid at codon 163 from Glycine to Arginine. This variant has been observed in at least one proband with clinical features consistent with Fabry disease (PMID:27560961). This variant is located in a mutational hotspot and/or important functional domain. It is absent or not present at a significant frequency in gnomAD. In silico models predict that this variant is possibly or probably damaging. In conclusion, we classify GLA p.Gly163Arg (c.487G>C) as a likely pathogenic variant.

Literature cited by the submitters: PubMed 27560961.

NM_000169.3(GLA):c.487G>C (p.Gly163Arg)

Genes: GLA (galactosidase alpha; minus strand), RPL36A-HNRNPH2 (RPL36A-HNRNPH2 readthrough; plus strand). Cytogenetic location: Xq22.1.
Variant type: single nucleotide variant.
Coding change: c.487G>C on transcript NM_000169.3 (MANE Select); coding-DNA position 487, G replaced by C.
Protein change: p.Gly163Arg; replaces glycine 163 with arginine.
Molecular consequence: missense variant. On other transcripts: non-coding transcript variant (3), intron variant (2).
Genome position (GRCh38, 1-based): chrX:101,401,692, C>G on the plus strand (G>C on the coding strand, the complement: GLA is on the minus strand). VCF-style: chrX-101401692-C-G. GRCh37 (hg19) VCF-style: chrX-100656680-C-G.
Other names: c.610G>C, p.Gly204Arg (NM_001406747.1, NM_001406749.1); c.487G>C, p.Gly163Arg (NM_001406748.1); c.300+6235C>G (NM_001199973.2); c.177+9870C>G (NM_001199974.2); short protein forms G163R, G204R.
Identifiers: ClinVar variation 4087386 (VCV004087386.2).